The following is an entry in ClinVar:

NM_001077350.3(NPRL3):c.1574A>T (p.His525Leu)

Gene: NPRL3 (NPR3 like, GATOR1 complex subunit; minus strand). Cytogenetic location: 16p13.3.
Variant type: single nucleotide variant.
Coding change: c.1574A>T on transcript NM_001077350.3 (MANE Select); coding-DNA position 1574, A replaced by T.
Protein change: p.His525Leu; replaces histidine 525 with leucine.
Molecular consequence: missense variant.
Genome position (GRCh38, 1-based): chr16:86,841, T>A on the plus strand (A>T on the coding strand, the complement: NPRL3 is on the minus strand). VCF-style: chr16-86841-T-A. GRCh37 (hg19) VCF-style: chr16-136840-T-A.
Other names: c.1037A>T, p.His346Leu (NM_001039476.3); c.1340A>T, p.His447Leu (NM_001243247.2); c.1499A>T, p.His500Leu (NM_001243248.2, NM_001243249.2); c.1574A>T (NM_001077350.2); short protein forms H447L, H525L, H346L, H500L.
Identifiers: ClinVar variation 1395000 (VCV001395000.2), dbSNP rs1898496064, ClinGen allele CA394045542.

ClinVar aggregate classification (germline): Uncertain significance. Review status: criteria provided, multiple submitters, no conflicts (2 of 4 stars). 2 submissions from 2 submitters: Uncertain significance (2). Last evaluated 2024-09-09.

Conditions:
Epilepsy, familial focal, with variable foci 3 (FFEVF3). Identifiers: MedGen C4310708, MONDO:0014925, OMIM 617118.

Allele frequency attached by ClinVar (database versions not stated): gnomAD exomes below 0.00001.
gnomAD v4.1: 1 of 1,613,382 alleles (0.000062%); highest among the groups gnomAD compares: Non-Finnish European, 0.000085%; no homozygotes.

Submissions (2):

GeneDx
Classification: Uncertain significance. Last evaluated: 2024-09-09. Review status: criteria provided, single submitter. Criteria: GeneDx Variant Classification Process June 2021. Collection method: clinical testing. Allele origin: germline. Affected: yes.
Comment: Not observed at significant frequency in large population cohorts (gnomAD); In silico analysis supports that this missense variant has a deleterious effect on protein structure/function; Has not been previously published as pathogenic or benign to our knowledge

Labcorp Genetics (formerly Invitae), Labcorp
Classification: Uncertain significance for Epilepsy, familial focal, with variable foci 3. Last evaluated: 2021-11-25. Review status: criteria provided, single submitter. Criteria: Invitae Variant Classification Sherloc (09022015). Collection method: clinical testing. Allele origin: germline.
Comment: This sequence change replaces histidine, which is basic and polar, with leucine, which is neutral and non-polar, at codon 525 of the NPRL3 protein (p.His525Leu). This variant is not present in population databases (gnomAD no frequency). This variant has not been reported in the literature in individuals affected with NPRL3-related conditions. Experimental studies and prediction algorithms are not available or were not evaluated, and the functional significance of this variant is currently unknown. In summary, the available evidence is currently insufficient to determine the role of this variant in disease. Therefore, it has been classified as a Variant of Uncertain Significance.